The following is an entry in ClinVar:

ClinVar aggregate classification (germline): Likely pathogenic. Review status: criteria provided, multiple submitters, no conflicts (2 of 4 stars). 3 submissions from 3 submitters: Likely pathogenic (3). Last evaluated 2025-09-01.

Conditions:
Hereditary cancer-predisposing syndrome. Also called: Tumor predisposition; Hereditary Cancer Syndrome; Hereditary neoplastic syndrome; Neoplastic Syndromes, Hereditary. Identifiers: Orphanet 140162, MedGen C0027672, MeSH D009386, MONDO:0015356.
Hereditary nonpolyposis colorectal neoplasms. Identifiers: MedGen C0009405, MeSH D003123.
Lynch syndrome 5 (LYNCH5). Also called: Hereditary non-polyposis colorectal cancer, type 5; Colorectal cancer, hereditary nonpolyposis, type 5. Identifiers: Orphanet 144, MedGen C1833477, MONDO:0013710, OMIM 614350. Disease mechanism: loss of function.

Allele frequency attached by ClinVar (database versions not stated): TOPMed below 0.00001.

Submissions (3):

Labcorp Genetics (formerly Invitae), Labcorp
Classification: Likely pathogenic for Hereditary nonpolyposis colorectal neoplasms. Last evaluated: 2025-09-01. Review status: criteria provided, single submitter. Criteria: Invitae Variant Classification Sherloc (09022015). Collection method: clinical testing. Allele origin: germline.
Comment: This sequence change affects a donor splice site in intron 1 of the MSH6 gene. RNA analysis indicates that disruption of this splice site induces altered splicing and is likely to result in the loss of the initiator methionine. This variant is not present in population databases (gnomAD no frequency). This variant has not been reported in the literature in individuals affected with MSH6-related conditions. ClinVar contains an entry for this variant (Variation ID: 486898). Studies have shown that disruption of this splice site results in skipping of skipping of exon 1, and is expected to result in the loss of the initiator methionine (internal data). In summary, the currently available evidence indicates that the variant is pathogenic, but additional data are needed to prove that conclusively. Therefore, this variant has been classified as Likely Pathogenic.

Myriad Genetics, Inc.
Classification: Likely pathogenic for Lynch syndrome 5. Last evaluated: 2023-08-09. Review status: criteria provided, single submitter. Criteria: Myriad Autosomal Dominant, Autosomal Recessive and X-Linked Classification Criteria (2023). Collection method: clinical testing. Allele origin: unknown.
Comment: This variant is considered likely pathogenic. This variant occurs within a consensus splice junction and is predicted to result in abnormal mRNA splicing of either an out-of-frame exon or an in-frame exon necessary for protein stability and/or normal function.

Ambry Genetics
Classification: Likely pathogenic for Hereditary cancer-predisposing syndrome. Last evaluated: 2021-09-03. Review status: criteria provided, single submitter. Criteria: Ambry Variant Classification Scheme 2023. Collection method: clinical testing. Allele origin: germline.
Comment: The c.260+1G>C intronic variant results from a G to C substitution one nucleotide after coding exon 1 of the MSH6 gene. This nucleotide position is highly conserved in available vertebrate species. In silico splice site analysis predicts that this alteration will weaken the native splice donor site and will result in the creation or strengthening of a novel splice donor site. This alteration has been detected in one individual with a personal and/or family history of breast cancer (Hsiao-Mei L. et al. JAMA Oncol 2019 01;5(1):51-57). Alterations that disrupt the canonical splice site are expected to cause aberrant splicing, resulting in an abnormal protein or a transcript that is subject to nonsense-mediated mRNA decay. As such, this alteration is classified as likely pathogenic.

NM_000179.3(MSH6):c.260+1G>C

Genes: MSH6 (mutS homolog 6; plus strand), LOC129933707 (ATAC-STARR-seq lymphoblastoid silent region 11468; plus strand). Cytogenetic location: 2p16.3.
Variant type: single nucleotide variant.
Coding change: c.260+1G>C on transcript NM_000179.3 (MANE Select); the canonical splice donor site of the intron after coding-DNA position 260, G replaced by C.
Molecular consequence: splice donor variant. On other transcripts: intron variant (7).
Genome position (GRCh38, 1-based): chr2:47,783,494, G>C. VCF-style: chr2-47783494-G-C. GRCh37 (hg19) VCF-style: chr2-48010633-G-C.
Other names: c.-669+1G>C (NM_001406807.1); c.-735+1G>C (NM_001406814.1); c.260+1G>C (NM_001406803.1, NM_001406817.1, NM_001407362.1 and 8 more transcripts); c.-477+1G>C (NM_001281493.2, NM_001406811.1); c.-324+1G>C (NM_001406812.1); c.-69+1G>C (NM_001406799.1); c.-38+263G>C (NM_001406801.1, NM_001406797.1, NM_001406805.1); c.-69+263G>C (NM_001406806.1); and 4 more.
Identifiers: ClinVar variation 486898 (VCV000486898.9), dbSNP rs1553408467, ClinGen allele CA346735200.